The following is an entry in ClinVar:

ClinVar aggregate classification (germline): Uncertain significance. Review status: criteria provided, multiple submitters, no conflicts (2 of 4 stars). 2 submissions from 2 submitters: Uncertain significance (2). Last evaluated 2023-12-27.

Conditions:
Fanconi anemia (FA). Also called: Fanconi's anemia. Identifiers: Orphanet 84, MedGen C0015625, MeSH D005199, MONDO:0019391.
Fanconi anemia complementation group D2. Also called: FANCD2-Related Fanconi Anemia; FANCONI PANCYTOPENIA, TYPE 4; FANCONI ANEMIA, COMPLEMENTATION GROUP D. Identifiers: Orphanet 84, MedGen C3160738, MONDO:0009214, OMIM 227646.

Allele frequency attached by ClinVar (database versions not stated): gnomAD exomes below 0.00001; ExAC 0.00001; TOPMed 0.00002.
gnomAD v4.1: 2 of 1,613,564 alleles (0.00012%); highest among the groups gnomAD compares: African/African-American, 0.0027%; no homozygotes.

Submissions (2):

Fulgent Genetics
Classification: Uncertain significance for Fanconi anemia complementation group D2. Last evaluated: 2023-12-27. Review status: criteria provided, single submitter. Criteria: ACMG Guidelines, 2015. Collection method: clinical testing. Allele origin: germline.

Labcorp Genetics (formerly Invitae), Labcorp
Classification: Uncertain significance for Fanconi anemia. Last evaluated: 2021-08-30. Review status: criteria provided, single submitter. Criteria: Invitae Variant Classification Sherloc (09022015). Collection method: clinical testing. Allele origin: germline.
Comment: This sequence change replaces methionine with isoleucine at codon 979 of the FANCD2 protein (p.Met979Ile). The methionine residue is weakly conserved and there is a small physicochemical difference between methionine and isoleucine. This variant is present in population databases (rs779245007, ExAC 0.01%). This variant has not been reported in the literature in individuals affected with FANCD2-related conditions. Algorithms developed to predict the effect of missense changes on protein structure and function output the following: SIFT: "Tolerated"; PolyPhen-2: "Benign"; Align-GVGD: "Class C0". The isoleucine amino acid residue is found in multiple mammalian species, which suggests that this missense change does not adversely affect protein function. In summary, the available evidence is currently insufficient to determine the role of this variant in disease. Therefore, it has been classified as a Variant of Uncertain Significance.

NM_001018115.3(FANCD2):c.2937G>A (p.Met979Ile)

Genes: FANCD2 (FA complementation group D2; plus strand), LOC107303338 (3p25 FANCD2 Alu-mediated recombination region; plus strand). Cytogenetic location: 3p25.3.
Variant type: single nucleotide variant.
Coding change: c.2937G>A on transcript NM_001018115.3 (MANE Select); coding-DNA position 2937, G replaced by A.
Protein change: p.Met979Ile; replaces methionine 979 with isoleucine.
Molecular consequence: missense variant.
Genome position (GRCh38, 1-based): chr3:10,078,158, G>A. VCF-style: chr3-10078158-G-A. GRCh37 (hg19) VCF-style: chr3-10119842-G-A.
Other names: c.2937G>A, p.Met979Ile (NM_001319984.2, NM_001374254.1, NM_033084.6); c.2826G>A, p.Met942Ile (NM_001374253.1); c.2937G>A (NM_033084.4); short protein forms M979I, M942I.
Identifiers: ClinVar variation 241737 (VCV000241737.7), dbSNP rs779245007, ClinGen allele CA2250229.